The following is an entry in ClinVar:

ClinVar aggregate classification (germline): Likely pathogenic (1 of 4 stars; one submission).

Conditions:
Myofibrillar myopathy 5. Also called: Filaminopathy (type); FILAMINOPATHY, AUTOSOMAL DOMINANT. Identifiers: Orphanet 171445, MedGen C1836050, MONDO:0012289, OMIM 609524.
Distal myopathy with posterior leg and anterior hand involvement. Also called: WILLIAMS DISTAL MYOPATHY. Identifiers: Orphanet 63273, MedGen C3279722, MONDO:0013550, OMIM 614065.
Hypertrophic cardiomyopathy 26. Also called: Cardiomyopathy, familial hypertrophic, 26. Identifiers: Orphanet 75249, MedGen C4310749, MONDO:0014883, OMIM 617047.

Allele frequency attached by ClinVar (database versions not stated): TOPMed below 0.00001.

Submission:

Labcorp Genetics (formerly Invitae), Labcorp
Classification: Likely pathogenic for Distal myopathy with posterior leg and anterior hand involvement; Myofibrillar myopathy 5; Hypertrophic cardiomyopathy 26. Last evaluated: 2021-02-10. Review status: criteria provided, single submitter. Criteria: Invitae Variant Classification Sherloc (09022015). Collection method: clinical testing. Allele origin: germline.
Comment: In summary, the currently available evidence indicates that the variant is pathogenic, but additional data are needed to prove that conclusively. Therefore, this variant has been classified as Likely Pathogenic. Algorithms developed to predict the effect of missense changes on protein structure and function are either unavailable or do not agree on the potential impact of this missense change (SIFT: "Tolerated"; PolyPhen-2: "Probably Damaging"; Align-GVGD: "Class C0"). This variant has been observed in individual(s) with restrictive cardiomyopathy (Invitae). In at least one individual the variant was observed to be de novo. This variant is not present in population databases (ExAC no frequency). This sequence change replaces glycine with aspartic acid at codon 1546 of the FLNC protein (p.Gly1546Asp). The glycine residue is highly conserved and there is a moderate physicochemical difference between glycine and aspartic acid.

NM_001458.5(FLNC):c.4637G>A (p.Gly1546Asp)

Gene: FLNC (filamin C; plus strand). Cytogenetic location: 7q32.1.
Variant type: single nucleotide variant.
Coding change: c.4637G>A on transcript NM_001458.5 (MANE Select); coding-DNA position 4637, G replaced by A.
Protein change: p.Gly1546Asp; replaces glycine 1546 with aspartic acid.
Molecular consequence: missense variant.
Genome position (GRCh38, 1-based): chr7:128,848,617, G>A. VCF-style: chr7-128848617-G-A. GRCh37 (hg19) VCF-style: chr7-128488671-G-A.
Other names: c.4637G>A, p.Gly1546Asp (NM_001127487.2); short protein forms G1546D.
Identifiers: ClinVar variation 1345536 (VCV001345536.8), dbSNP rs1427917546, ClinGen allele CA369202189.